The following is an entry in ClinVar:

NM_153460.4(IL17RC):c.105+68G>T

Gene: IL17RC (interleukin 17 receptor C; plus strand). Cytogenetic location: 3p25.3.
Variant type: single nucleotide variant.
Coding change: c.105+68G>T on transcript NM_153460.4 (MANE Select); 68 bases into the intron after coding-DNA position 105, G replaced by T.
Molecular consequence: intron variant. On other transcripts: missense variant (1).
Genome position (GRCh38, 1-based): chr3:9,917,488, G>T. VCF-style: chr3-9917488-G-T. GRCh37 (hg19) VCF-style: chr3-9959172-G-T.
Other names: c.173G>T, p.Ser58Ile (NM_153461.4); c.105+68G>T (NM_001203263.2, NM_001203264.2, NM_001367278.1 and 4 more transcripts); short protein forms S58I.
Identifiers: ClinVar variation 1388649 (VCV001388649.6), dbSNP rs1187065150, ClinGen allele CA351753603.

ClinVar aggregate classification (germline): Uncertain significance (1 of 4 stars; one submission).

Conditions:
Candidiasis, familial, 9 (CANDF9). Identifiers: Orphanet 1334, MedGen C4225324, MONDO:0014642, OMIM 616445.

Submission:

Labcorp Genetics (formerly Invitae), Labcorp
Classification: Uncertain significance for Candidiasis, familial, 9. Last evaluated: 2021-10-22. Review status: criteria provided, single submitter. Criteria: Invitae Variant Classification Sherloc (09022015). Collection method: clinical testing. Allele origin: germline.
Comment: This variant is not present in population databases (ExAC no frequency). In summary, the available evidence is currently insufficient to determine the role of this variant in disease. Therefore, it has been classified as a Variant of Uncertain Significance. Algorithms developed to predict the effect of missense changes on protein structure and function are either unavailable or do not agree on the potential impact of this missense change (SIFT: "Deleterious"; PolyPhen-2: "Benign"; Align-GVGD: "Class C0"). This variant has not been reported in the literature in individuals affected with IL17RC-related conditions. This sequence change replaces serine with isoleucine at codon 58 of the IL17RC protein (p.Ser58Ile). The serine residue is weakly conserved and there is a large physicochemical difference between serine and isoleucine.